The following is an entry in ClinVar:

NM_182920.2(ADAMTS9):c.5600C>G (p.Ala1867Gly)

Gene: ADAMTS9 (ADAM metallopeptidase with thrombospondin type 1 motif 9; minus strand). Cytogenetic location: 3p14.1.
Variant type: single nucleotide variant.
Coding change: c.5600C>G on transcript NM_182920.2 (MANE Select); coding-DNA position 5600, C replaced by G.
Protein change: p.Ala1867Gly; replaces alanine 1867 with glycine.
Molecular consequence: missense variant.
Genome position (GRCh38, 1-based): chr3:64,539,216, G>C on the plus strand (C>G on the coding strand, the complement: ADAMTS9 is on the minus strand). VCF-style: chr3-64539216-G-C. GRCh37 (hg19) VCF-style: chr3-64524892-G-C.
Other names: c.5516C>G, p.Ala1839Gly (NM_001318781.2); short protein forms A1839G, A1867G.
Identifiers: ClinVar variation 4084500 (VCV004084500.8).

ClinVar aggregate classification (germline): Uncertain significance (1 of 4 stars; one submission).

gnomAD v4.1: 13 of 1,613,734 alleles (0.00081%); highest among the groups gnomAD compares: Non-Finnish European, 0.001%; no homozygotes.

Submission:

CeGaT Center for Human Genetics Tuebingen
Classification: Uncertain significance. Last evaluated: 2025-08-01. Review status: criteria provided, single submitter. Criteria: CeGaT Center For Human Genetics Tuebingen Variant Classification Criteria Version 2. Collection method: clinical testing. Allele origin: germline. Affected: yes. Observed: 1 variant allele.
Comment: ADAMTS9: PM2